The following is an entry in ClinVar:

NM_020365.5(EIF2B3):c.1055T>C (p.Val352Ala)

Gene: EIF2B3 (eukaryotic translation initiation factor 2B subunit gamma; minus strand). Cytogenetic location: 1p34.1.
Variant type: single nucleotide variant.
Coding change: c.1055T>C on transcript NM_020365.5 (MANE Select); coding-DNA position 1055, T replaced by C.
Protein change: p.Val352Ala; replaces valine 352 with alanine.
Molecular consequence: missense variant.
Genome position (GRCh38, 1-based): chr1:44,874,825, A>G on the plus strand (T>C on the coding strand, the complement: EIF2B3 is on the minus strand). VCF-style: chr1-44874825-A-G. GRCh37 (hg19) VCF-style: chr1-45340497-A-G.
Other names: c.1055T>C, p.Val352Ala (NM_001166588.3, NM_001261418.2); short protein forms V352A.
Identifiers: ClinVar variation 4755600 (VCV004755600.1).

ClinVar aggregate classification (germline): Uncertain significance (1 of 4 stars; one submission).

Submission:

GeneDx
Classification: Uncertain significance. Last evaluated: 2025-08-06. Review status: criteria provided, single submitter. Criteria: GeneDx Variant Classification Process June 2021. Collection method: clinical testing. Allele origin: germline. Affected: yes.
Comment: Not observed at significant frequency in large population cohorts (gnomAD); In silico analysis suggests that this missense variant does not alter protein structure/function; Has not been previously published as pathogenic or benign to our knowledge